The following is an entry in ClinVar:

NM_000166.6(GJB1):c.277A>G (p.Met93Val)

Gene: GJB1 (gap junction protein beta 1; plus strand). Cytogenetic location: Xq13.1.
Variant type: single nucleotide variant.
Coding change: c.277A>G on transcript NM_000166.6 (MANE Select); coding-DNA position 277, A replaced by G.
Protein change: p.Met93Val; replaces methionine 93 with valine.
Molecular consequence: missense variant.
Genome position (GRCh38, 1-based): chrX:71,223,984, A>G. VCF-style: chrX-71223984-A-G. GRCh37 (hg19) VCF-style: chrX-70443834-A-G.
Other names: c.277A>G, p.Met93Val (NM_001097642.3); short protein forms M93V.
Identifiers: ClinVar variation 637638 (VCV000637638.4), dbSNP rs1602349066, ClinGen allele CA413501743.

ClinVar aggregate classification (germline): Pathogenic. Review status: criteria provided, single submitter (1 of 4 stars). 2 submissions from 2 submitters: Pathogenic (1). 1 of the submissions does not count toward it. Last evaluated 2025-06-15.

Conditions:
Charcot-Marie-Tooth Neuropathy X. Identifiers: MedGen CN118851.
Charcot-Marie-Tooth disease. Also called: Charcot-Marie-Tooth Hereditary Neuropathy; Charcot-Marie-Tooth Neuropathy. Identifiers: Orphanet 166, MedGen C0007959, MONDO:0015626.

Submissions (2):

Labcorp Genetics (formerly Invitae), Labcorp
Classification: Pathogenic for Charcot-Marie-Tooth Neuropathy X. Last evaluated: 2025-06-15. Review status: criteria provided, single submitter. Criteria: Invitae Variant Classification Sherloc (09022015). Collection method: clinical testing. Allele origin: germline.
Comment: This sequence change replaces methionine, which is neutral and non-polar, with valine, which is neutral and non-polar, at codon 93 of the GJB1 protein (p.Met93Val). This variant is not present in population databases (gnomAD no frequency). This missense change has been observed in individuals with Charcot-Marie-Tooth disease (PMID: 10737979, 27804109, 29998508). ClinVar contains an entry for this variant (Variation ID: 637638). Invitae Evidence Modeling of protein sequence and biophysical properties (such as structural, functional, and spatial information, amino acid conservation, physicochemical variation, residue mobility, and thermodynamic stability) has been performed for this missense variant. However, the output from this modeling did not meet the statistical confidence thresholds required to predict the impact of this variant on GJB1 protein function. Experimental studies have shown that this missense change affects GJB1 function (PMID: 12111842, 28334782). This variant disrupts the p.Met93 amino acid residue in GJB1. Other variant(s) that disrupt this residue have been observed in individuals with GJB1-related conditions (PMID: 19259128, 25086786), which suggests that this may be a clinically significant amino acid residue. For these reasons, this variant has been classified as Pathogenic.

Inherited Neuropathy Consortium
Classification: Uncertain significance for Charcot-Marie-Tooth disease. Review status: no assertion criteria provided. Collection method: literature only. Allele origin: germline. Affected: yes. Not counted in ClinVar's aggregate classification.

Literature cited by the submitters: PubMed 10737979 (cited by Labcorp Genetics (formerly Invitae), Labcorp and Inherited Neuropathy Consortium); PubMed 27804109 (cited by Labcorp Genetics (formerly Invitae), Labcorp); PubMed 29998508 (cited by Labcorp Genetics (formerly Invitae), Labcorp); PubMed 12111842 (cited by Labcorp Genetics (formerly Invitae), Labcorp); PubMed 28334782 (cited by Labcorp Genetics (formerly Invitae), Labcorp); PubMed 19259128 (cited by Labcorp Genetics (formerly Invitae), Labcorp); PubMed 25086786 (cited by Labcorp Genetics (formerly Invitae), Labcorp).